The following is an entry in ClinVar:

NM_006440.5(TXNRD2):c.236G>A (p.Arg79Gln)

Gene: TXNRD2 (thioredoxin reductase 2; minus strand). Cytogenetic location: 22q11.21.
Variant type: single nucleotide variant.
Coding change: c.236G>A on transcript NM_006440.5 (MANE Select); coding-DNA position 236, G replaced by A.
Protein change: p.Arg79Gln; replaces arginine 79 with glutamine.
Molecular consequence: missense variant. On other transcripts: 5 prime UTR variant (1), non-coding transcript variant (1).
Genome position (GRCh38, 1-based): chr22:19,918,998, C>T on the plus strand (G>A on the coding strand, the complement: TXNRD2 is on the minus strand). VCF-style: chr22-19918998-C-T. GRCh37 (hg19) VCF-style: chr22-19906521-C-T.
Other names: c.236G>A, p.Arg79Gln (NM_001282512.3); c.233G>A, p.Arg78Gln (NM_001352300.2); c.146G>A, p.Arg49Gln (NM_001352301.2); c.-53G>A (NM_001352302.2); c.140G>A, p.Arg47Gln (NM_001352303.2); short protein forms R79Q, R49Q, R78Q, R47Q.
Identifiers: ClinVar variation 222882 (VCV000222882.17), dbSNP rs373979810, ClinGen allele CA068118.
Genomic context (GRCh38, chr22:19,918,998, plus strand): 5'-TGGTGCATCAGCTTCTTGGGGATGCAGCCCACGTTGACGCAGGTGCCGCCGAGGCCCCAC[C>T]GGGTGCCTGGGACGTGGGAAGAGCACATTTGAATTTATGTTCAGGTGACTGCTGGAGGCT-3'
Protein context (NP_006431.2, residues 69-89): DYVEPSPQGT[Arg79Gln]WGLGGTCVNV

ClinVar aggregate classification (germline): Conflicting classifications of pathogenicity. Review status: criteria provided, conflicting classifications (1 of 4 stars). 5 submissions from 5 submitters: Uncertain significance (3); Likely benign (1). 1 of the submissions does not count toward it. Last evaluated 2025-12-09.

Conditions:
TXNRD2-related disorder. Also called: TXNRD2-related condition.
Cardiovascular phenotype. Identifiers: MedGen CN230736.
Primary dilated cardiomyopathy (DCM). Also called: Dilated Cardiomyopathy. Identifiers: Orphanet 217604, MedGen C0007193, MeSH D002311, MONDO:0005021, HP:0001644. Inheritance: Various modes of inheritance.

Allele frequency attached by ClinVar (database versions not stated): ESP Exome Variant Server 0.00008; gnomAD 0.00010; TOPMed 0.00015; ExAC 0.00017.
gnomAD v4.1: 143 of 1,609,502 alleles (0.0089%); highest among the groups gnomAD compares: Middle Eastern, 0.067%; no homozygotes.

Submissions (5):

Labcorp Genetics (formerly Invitae), Labcorp
Classification: Uncertain significance for Primary dilated cardiomyopathy. Last evaluated: 2025-12-09. Review status: criteria provided, single submitter. Criteria: Invitae Variant Classification Sherloc (09022015). Collection method: clinical testing. Allele origin: germline.
Comment: This sequence change replaces arginine, which is basic and polar, with glutamine, which is neutral and polar, at codon 79 of the TXNRD2 protein (p.Arg79Gln). This variant is present in population databases (rs373979810, gnomAD 0.02%). This variant has not been reported in the literature in individuals affected with TXNRD2-related conditions. ClinVar contains an entry for this variant (Variation ID: 222882). An algorithm developed to predict the effect of missense changes on protein structure and function (PolyPhen-2) suggests that this variant is likely to be tolerated. In summary, the available evidence is currently insufficient to determine the role of this variant in disease. Therefore, it has been classified as a Variant of Uncertain Significance.

Blueprint Genetics
Classification: Uncertain significance. Last evaluated: 2024-11-04. Review status: criteria provided, single submitter. Criteria: ACMG Guidelines, 2015. Collection method: clinical testing. Allele origin: germline.

Ambry Genetics
Classification: Likely benign for Cardiovascular phenotype. Last evaluated: 2024-10-01. Review status: criteria provided, single submitter. Criteria: Ambry Variant Classification Scheme 2023. Collection method: clinical testing. Allele origin: germline.

GeneDx
Classification: Uncertain significance. Last evaluated: 2023-05-25. Review status: criteria provided, single submitter. Criteria: GeneDx Variant Classification Process June 2021. Collection method: clinical testing. Allele origin: germline. Affected: yes.
Comment: Has not been previously published as pathogenic or benign to our knowledge; In silico analysis supports that this missense variant does not alter protein structure/function

PreventionGenetics, part of Exact Sciences
Classification: Uncertain significance for TXNRD2-related condition. Last evaluated: 2024-06-02. Review status: no assertion criteria provided. Collection method: clinical testing. Allele origin: germline. Not counted in ClinVar's aggregate classification.
Comment: The TXNRD2 c.236G>A variant is predicted to result in the amino acid substitution p.Arg79Gln. To our knowledge, this variant has not been reported in the literature. This variant is reported in 0.020% of alleles in individuals of European (Non-Finnish) descent in gnomAD. At this time, the clinical significance of this variant is uncertain due to the absence of conclusive functional and genetic evidence.